The following is an entry in ClinVar:

ClinVar aggregate classification (germline): Pathogenic. Review status: criteria provided, multiple submitters, no conflicts (2 of 4 stars). 2 submissions from 2 submitters: Pathogenic (2). Last evaluated 2021-12-09.

Conditions:
Hereditary cancer-predisposing syndrome. Also called: Tumor predisposition; Hereditary neoplastic syndrome; Neoplastic Syndromes, Hereditary; Hereditary Cancer Syndrome. Identifiers: Orphanet 140162, MedGen C0027672, MeSH D009386, MONDO:0015356.
Hereditary nonpolyposis colorectal neoplasms. Identifiers: MedGen C0009405, MeSH D003123.

Submissions (2):

Ambry Genetics
Classification: Pathogenic for Hereditary cancer-predisposing syndrome. Last evaluated: 2021-12-09. Review status: criteria provided, single submitter. Criteria: Ambry Variant Classification Scheme 2023. Collection method: clinical testing. Allele origin: germline.
Comment: The c.524delC pathogenic mutation, located in coding exon 3 of the MSH6 gene, results from a deletion of one nucleotide at nucleotide position 524, causing a translational frameshift with a predicted alternate stop codon (p.A175Efs*9). This alteration is expected to result in loss of function by premature protein truncation or nonsense-mediated mRNA decay. As such, this alteration is interpreted as a disease-causing mutation.

Labcorp Genetics (formerly Invitae), Labcorp
Classification: Pathogenic for Hereditary nonpolyposis colorectal neoplasms. Last evaluated: 2021-08-01. Review status: criteria provided, single submitter. Criteria: Invitae Variant Classification Sherloc (09022015). Collection method: clinical testing. Allele origin: germline.
Comment: This sequence change creates a premature translational stop signal (p.Ala175Glufs*9) in the MSH6 gene. It is expected to result in an absent or disrupted protein product. For these reasons, this variant has been classified as Pathogenic. Loss-of-function variants in MSH6 are known to be pathogenic (PMID: 18269114, 24362816). This variant has not been reported in the literature in individuals with MSH6-related conditions. This variant is not present in population databases (ExAC no frequency).

Literature cited by the submitters: PubMed 18269114 (cited by Labcorp Genetics (formerly Invitae), Labcorp); PubMed 24362816 (cited by Labcorp Genetics (formerly Invitae), Labcorp).

NM_000179.3(MSH6):c.524del (p.Ala175fs)

Gene: MSH6 (mutS homolog 6; plus strand). Cytogenetic location: 2p16.3.
Variant type: Deletion.
Coding change: c.524del on transcript NM_000179.3 (MANE Select); coding-DNA position 524, one base deleted (C; older notation c.524delC).
Protein change: p.Ala175fs; shifts the reading frame from alanine 175.
Molecular consequence: frameshift variant. On other transcripts: 5 prime UTR variant (1), intron variant (2).
Genome position (GRCh38, 1-based): chr2:47,795,960, C deleted. VCF-style (leftmost placement, unchanged base first): chr2-47795959-GC-G. GRCh37 (hg19) VCF-style: chr2-48023098-GC-G.
Other names: c.524delC (NM_000179.2); c.-379del (NM_001281494.2); c.-279-2651del (NM_001281493.2); c.238-2651del (NM_001281492.2); short protein forms A175fs.
Identifiers: ClinVar variation 857688 (VCV000857688.11), dbSNP rs1669058948, ClinGen allele CA916080267.
Genomic context (GRCh38, chr2:47,795,959, plus strand): 5'-AAATCAAAGGAAGCCCAGAAGGGAGGTCATTTTTACAGTGCAAAGCCTGAAATACTGAGA[GC>G]AATGCAACGTGCAGATGAAGCCTTAAATAAAGACAAGATTAAGAGGCTTGAATTGGCAGT-3'